The following is an entry in ClinVar:

NM_001111.5(ADAR):c.3463C>T (p.Arg1155Trp)

Gene: ADAR (adenosine deaminase RNA specific; minus strand). Cytogenetic location: 1q21.3.
Variant type: single nucleotide variant.
Coding change: c.3463C>T on transcript NM_001111.5 (MANE Select); coding-DNA position 3463, C replaced by T.
Protein change: p.Arg1155Trp; replaces arginine 1155 with tryptophan.
Molecular consequence: missense variant.
Genome position (GRCh38, 1-based): chr1:154,585,024, G>A on the plus strand (C>T on the coding strand, the complement: ADAR is on the minus strand). VCF-style: chr1-154585024-G-A. GRCh37 (hg19) VCF-style: chr1-154557500-G-A.
Other names: c.2578C>T, p.Arg860Trp (NM_001193495.2, NM_001365046.1, NM_001365047.1 and 2 more transcripts); c.3490C>T, p.Arg1164Trp (NM_001365045.1); c.2500C>T, p.Arg834Trp (NM_001365049.1); c.3385C>T, p.Arg1129Trp (NM_015840.4); c.3328C>T, p.Arg1110Trp (NM_015841.4); short protein forms R1110W, R1129W, R1155W, R1164W, R834W, R860W.
Identifiers: ClinVar variation 1207421 (VCV001207421.13), dbSNP rs1044845711, ClinGen allele CA30848677.

ClinVar aggregate classification (germline): Conflicting classifications of pathogenicity. Review status: criteria provided, conflicting classifications (1 of 4 stars). 3 submissions from 3 submitters: Pathogenic (1); Likely pathogenic (1); Uncertain significance (1). Last evaluated 2025-10-20.

Conditions:
Inborn genetic diseases. Identifiers: MedGen C0950123, MeSH D030342.
Aicardi-Goutieres syndrome 6 (AGS6). Identifiers: Orphanet 51, MedGen C3539013, MONDO:0014007, OMIM 615010.
Symmetrical dyschromatosis of extremities (DSH). Also called: DYSCHROMATOSIS SYMMETRICA HEREDITARIA 1; RETICULATE ACROPIGMENTATION OF DOHI; SYMMETRIC DYSCHROMATOSIS OF THE EXTREMITIES; Dyschromatosis symmetrica hereditaria. Identifiers: Orphanet 41, MedGen C0406775, MONDO:0007483, OMIM 127400.

Allele frequency attached by ClinVar (database versions not stated): gnomAD 0.00001; gnomAD exomes below 0.00001.
gnomAD v4.1: 3 of 1,613,692 alleles (0.00019%); highest among the groups gnomAD compares: African/African-American, 0.0013%; no homozygotes.

Submissions (3):

Labcorp Genetics (formerly Invitae), Labcorp
Classification: Pathogenic for Aicardi-Goutieres syndrome 6; Symmetrical dyschromatosis of extremities. Last evaluated: 2025-10-20. Review status: criteria provided, single submitter. Criteria: Invitae Variant Classification Sherloc (09022015). Collection method: clinical testing. Allele origin: germline.
Comment: This sequence change replaces arginine, which is basic and polar, with tryptophan, which is neutral and slightly polar, at codon 1155 of the ADAR protein (p.Arg1155Trp). This variant is not present in population databases (gnomAD no frequency). This missense change has been observed in individual(s) with autosomal dominant dyschromatosis symmetrica hereditaria (PMID: 15659327, 20186421, 24950769, 29896739). It has also been observed to segregate with disease in related individuals. ClinVar contains an entry for this variant (Variation ID: 1207421). Invitae Evidence Modeling of protein sequence and biophysical properties (such as structural, functional, and spatial information, amino acid conservation, physicochemical variation, residue mobility, and thermodynamic stability) has been performed for this missense variant. However, the output from this modeling did not meet the statistical confidence thresholds required to predict the impact of this variant on ADAR protein function. For these reasons, this variant has been classified as Pathogenic.

GeneDx
Classification: Likely pathogenic. Last evaluated: 2024-07-02. Review status: criteria provided, single submitter. Criteria: GeneDx Variant Classification Process June 2021. Collection method: clinical testing. Allele origin: germline. Affected: yes.
Comment: Not observed at significant frequency in large population cohorts (gnomAD); In silico analysis supports that this missense variant has a deleterious effect on protein structure/function; This variant is associated with the following publications: (PMID: 29896739, 24950769, 20186421, 33307271, 15659327)

Ambry Genetics
Classification: Uncertain significance for Inborn genetic diseases. Last evaluated: 2021-11-24. Review status: criteria provided, single submitter. Criteria: Ambry Variant Classification Scheme 2023. Collection method: clinical testing. Allele origin: germline.

Literature cited by the submitters: PubMed 15659327 (cited by Labcorp Genetics (formerly Invitae), Labcorp and Ambry Genetics); PubMed 20186421 (cited by Labcorp Genetics (formerly Invitae), Labcorp and Ambry Genetics); PubMed 24950769 (cited by Labcorp Genetics (formerly Invitae), Labcorp and Ambry Genetics); PubMed 29896739 (cited by Labcorp Genetics (formerly Invitae), Labcorp).